The following is an entry in ClinVar:

NM_000388.4(CASR):c.1888G>T (p.Val630Leu)

Gene: CASR (calcium sensing receptor; plus strand). Cytogenetic location: 3q21.1.
Variant type: single nucleotide variant.
Coding change: c.1888G>T on transcript NM_000388.4 (MANE Select); coding-DNA position 1888, G replaced by T.
Protein change: p.Val630Leu; replaces valine 630 with leucine.
Molecular consequence: missense variant.
Genome position (GRCh38, 1-based): chr3:122,283,842, G>T. VCF-style: chr3-122283842-G-T. GRCh37 (hg19) VCF-style: chr3-122002689-G-T.
Other names: c.1918G>T, p.Val640Leu (NM_001178065.2); short protein forms V630L, V640L.
Identifiers: ClinVar variation 2939390 (VCV002939390.3), dbSNP rs1559968392, ClinGen allele CA354157851.

ClinVar aggregate classification (germline): Uncertain significance (1 of 4 stars; one submission).

Conditions:
Familial hypocalciuric hypercalcemia (FHH). Also called: Familial benign hypercalcemia. Identifiers: Orphanet 405, MedGen C1809471, MONDO:0018458.
Autosomal dominant hypocalcemia 1 (HYPOC1). Also called: HYPOCALCEMIA, FAMILIAL. Identifiers: MedGen C3715128, MONDO:0011013, OMIM 601198.

Allele frequency attached by ClinVar (database versions not stated): gnomAD exomes below 0.00001; gnomAD 0.00001.
gnomAD v4.1: 3 of 1,613,946 alleles (0.00019%); highest among the groups gnomAD compares: Non-Finnish European, 0.00025%; no homozygotes.

Submission:

Labcorp Genetics (formerly Invitae), Labcorp
Classification: Uncertain significance for Familial hypocalciuric hypercalcemia; Autosomal dominant hypocalcemia 1. Last evaluated: 2022-11-04. Review status: criteria provided, single submitter. Criteria: Invitae Variant Classification Sherloc (09022015). Collection method: clinical testing. Allele origin: germline.
Comment: In summary, the available evidence is currently insufficient to determine the role of this variant in disease. Therefore, it has been classified as a Variant of Uncertain Significance. Algorithms developed to predict the effect of missense changes on protein structure and function (SIFT, PolyPhen-2, Align-GVGD) all suggest that this variant is likely to be disruptive. This variant has not been reported in the literature in individuals affected with CASR-related conditions. This variant is not present in population databases (gnomAD no frequency). This sequence change replaces valine, which is neutral and non-polar, with leucine, which is neutral and non-polar, at codon 630 of the CASR protein (p.Val630Leu).